The following is an entry in ClinVar:

ClinVar aggregate classification (germline): Uncertain significance. Review status: criteria provided, single submitter (1 of 4 stars). 2 submissions from 2 submitters: Uncertain significance (1). 1 of the submissions does not count toward it. Last evaluated 2019-02-01.

Conditions:
Hereditary factor XI deficiency disease. Also called: Congenital factor XI deficiency; PLASMA THROMBOPLASTIN ANTECEDENT DEFICIENCY; PTA DEFICIENCY; ROSENTHAL SYNDROME. Identifiers: Orphanet 329, MedGen C0015523, MeSH D005173, MONDO:0012897, OMIM 612416.

Allele frequency attached by ClinVar (database versions not stated): gnomAD 0.00006 and 0.00007; gnomAD exomes 0.00006; TOPMed 0.00006; ESP Exome Variant Server 0.00008; 1000 Genomes Project 30x 0.00016; 1000 Genomes Project 0.00020.
gnomAD v4.1: 97 of 1,614,050 alleles (0.006%); highest among the groups gnomAD compares: South Asian, 0.015%; no homozygotes.

Submissions (2):

NIHR Bioresource Rare Diseases, University of Cambridge
Classification: Uncertain significance for Hereditary factor XI deficiency disease. Last evaluated: 2019-02-01. Review status: criteria provided, single submitter. Criteria: ACMG Guidelines, 2015. Collection method: research. Allele origin: unknown. Affected: yes. Observed: 1 heterozygote. Study: ThromboGenomics.

ISTH-SSC Genomics in Thrombosis and Hemostasis, KU Leuven, Center for Molecular and Vascular Biology
Classification: Uncertain significance for Hereditary factor XI deficiency disease. Review status: no assertion criteria provided. Collection method: research. Allele origin: unknown. Affected: yes. Not counted in ClinVar's aggregate classification.
Comment: Submitted to GoldVariant by Dr Karyn Mégy from NIHR Bioresource - Cambridge University, UK

Literature cited by the submitters: PubMed 31064749 (cited by NIHR Bioresource Rare Diseases, University of Cambridge).

NM_000128.4(F11):c.1328G>A (p.Arg443His)

Gene: F11 (coagulation factor XI; plus strand). Cytogenetic location: 4q35.2.
Variant type: single nucleotide variant.
Coding change: c.1328G>A on transcript NM_000128.4 (MANE Select); coding-DNA position 1328, G replaced by A.
Protein change: p.Arg443His; replaces arginine 443 with histidine.
Molecular consequence: missense variant.
Genome position (GRCh38, 1-based): chr4:186,285,661, G>A. VCF-style: chr4-186285661-G-A. GRCh37 (hg19) VCF-style: chr4-187206815-G-A.
Other names: short protein forms R443H.
Identifiers: ClinVar variation 626987 (VCV000626987.3), dbSNP rs373212439, ClinGen allele CA3163967.